The following is an entry in ClinVar:

NM_005609.4(PYGM):c.1338_1341dup (p.Ala448fs)

Gene: PYGM (glycogen phosphorylase, muscle associated; minus strand). Cytogenetic location: 11q13.1.
Variant type: Duplication.
Coding change: c.1338_1341dup on transcript NM_005609.4 (MANE Select); coding-DNA positions 1338 to 1341, 4 bases duplicated (CATC; older notation c.1338_1341dupCATC).
Protein change: p.Ala448fs; shifts the reading frame from alanine 448.
Molecular consequence: frameshift variant.
Genome position (GRCh38, 1-based): chr11:64,753,581-64,753,584, GATG duplicated on the plus strand (CATC on the coding strand, the reverse complement: PYGM is on the minus strand). VCF-style (leftmost placement, unchanged base first): chr11-64753580-C-CGATG. GRCh37 (hg19) VCF-style: chr11-64521052-C-CGATG.
Other names: c.1074_1077dup, p.Ala360fs (NM_001164716.1); short protein forms A360fs, A448fs.
Identifiers: ClinVar variation 2699517 (VCV002699517.3), dbSNP rs2496657019, ClinGen allele CA2697548639.

ClinVar aggregate classification (germline): Pathogenic (1 of 4 stars; one submission).

Conditions:
Glycogen storage disease, type V (GSD5). Also called: McArdle type glycogen storage disease; MCARDLE DISEASE; MUSCLE GLYCOGEN PHOSPHORYLASE DEFICIENCY; MYOPHOSPHORYLASE DEFICIENCY; PYGM DEFICIENCY. Identifiers: Orphanet 368, MedGen C0017924, MONDO:0009293, OMIM 232600.

Submission:

Labcorp Genetics (formerly Invitae), Labcorp
Classification: Pathogenic for Glycogen storage disease, type V. Last evaluated: 2023-11-28. Review status: criteria provided, single submitter. Criteria: Invitae Variant Classification Sherloc (09022015). Collection method: clinical testing. Allele origin: germline.
Comment: This sequence change creates a premature translational stop signal (p.Ala448Hisfs*28) in the PYGM gene. It is expected to result in an absent or disrupted protein product. Loss-of-function variants in PYGM are known to be pathogenic (PMID: 8316268, 16786513). This variant is not present in population databases (gnomAD no frequency). This variant has not been reported in the literature in individuals affected with PYGM-related conditions. For these reasons, this variant has been classified as Pathogenic.

Literature cited by the submitters: PubMed 8316268; PubMed 16786513.